The following is an entry in ClinVar:

ClinVar aggregate classification (germline): Pathogenic (1 of 4 stars; one submission).

Conditions:
Lethal multiple pterygium syndrome (LMPS). Identifiers: Orphanet 33108, MedGen C1854678, MONDO:0009668, OMIM 253290.

Submission:

Labcorp Genetics (formerly Invitae), Labcorp
Classification: Pathogenic for Lethal multiple pterygium syndrome. Last evaluated: 2022-03-31. Review status: criteria provided, single submitter. Criteria: Invitae Variant Classification Sherloc (09022015). Collection method: clinical testing. Allele origin: germline.
Comment: For these reasons, this variant has been classified as Pathogenic. This variant has not been reported in the literature in individuals affected with CHRND-related conditions. This variant is not present in population databases (gnomAD no frequency). This sequence change creates a premature translational stop signal (p.Trp83*) in the CHRND gene. It is expected to result in an absent or disrupted protein product. Loss-of-function variants in CHRND are known to be pathogenic (PMID: 11435464, 25264167).

Literature cited by the submitters: PubMed 11435464; PubMed 25264167.

NM_000751.3(CHRND):c.249del (p.Gly82_Trp83insTer)

Gene: CHRND (cholinergic receptor nicotinic delta subunit; plus strand). Cytogenetic location: 2q37.1.
Variant type: Deletion.
Coding change: c.249del on transcript NM_000751.3 (MANE Select); coding-DNA position 249, one base deleted (G; older notation c.249delG).
Protein change: p.Gly82_Trp83insTer.
Molecular consequence: nonsense. On other transcripts: 5 prime UTR variant (2).
Genome position (GRCh38, 1-based): chr2:232,528,267, G deleted; the last of 2 consecutive G bases (chr2:232,528,266-232,528,267); deleting either gives the same sequence. VCF-style (leftmost placement, unchanged base first): chr2-232528265-TG-T. GRCh37 (hg19) VCF-style: chr2-233392975-TG-T.
Other names: c.204del, p.Gly67_Trp68insTer (NM_001256657.2); c.-23del (NM_001311195.2, NM_001311196.2).
Identifiers: ClinVar variation 1923533 (VCV001923533.5), dbSNP rs1383559519, ClinGen allele CA766132400.